The following is an entry in ClinVar:

ClinVar aggregate classification (germline): Uncertain significance. Review status: criteria provided, multiple submitters, no conflicts (2 of 4 stars). 2 submissions from 2 submitters: Uncertain significance (2). Last evaluated 2025-01-09.

Conditions:
Muscular dystrophy-dystroglycanopathy (congenital with impaired intellectual development), type B, 2. Also called: Muscular dystrophy-dystroglycanopathy (congenital with intellectual disability), type B2; MUSCULAR DYSTROPHY, CONGENITAL, POMT2-RELATED. Identifiers: MedGen C3150416, MONDO:0013160, OMIM 613156.
Autosomal recessive limb-girdle muscular dystrophy type 2N. Also called: Muscular dystrophy-dystroglycanopathy (limb-girdle), type C, 2; MUSCULAR DYSTROPHY-DYSTROGLYCANOPATHY, LIMB-GIRDLE, POMT2-RELATED. Identifiers: Orphanet 206559, MedGen C3150418, MONDO:0013162, OMIM 613158.
Muscular dystrophy-dystroglycanopathy (congenital with brain and eye anomalies), type A2. Also called: MUSCULAR DYSTROPHY-DYSTROGLYCANOPATHY (CONGENITAL WITH BRAIN AND EYE ANOMALIES), TYPE A, 2; WALKER-WARBURG SYNDROME OR MUSCLE-EYE-BRAIN DISEASE, POMT2-RELATED. Identifiers: Orphanet 588, Orphanet 899, MedGen C3150411, MONDO:0013154, OMIM 613150.

Allele frequency attached by ClinVar (database versions not stated): gnomAD 0.00001; TOPMed 0.00001.
gnomAD v4.1: 7 of 1,614,036 alleles (0.00043%); highest among the groups gnomAD compares: South Asian, 0.0044%; no homozygotes.

Submissions (2):

Athena Diagnostics
Classification: Uncertain significance. Last evaluated: 2025-01-09. Review status: criteria provided, single submitter. Criteria: Athena Diagnostics Criteria. Collection method: clinical testing. Allele origin: unknown.
Comment: Available data are insufficient to determine the clinical significance of the variant at this time. The frequency of this variant in the general population is uninformative in assessment of its pathogenicity. Polyphen and MutationTaster predict this amino acid change may be damaging to the protein.

Labcorp Genetics (formerly Invitae), Labcorp
Classification: Uncertain significance for Muscular dystrophy-dystroglycanopathy (congenital with impaired intellectual development), type B, 2; Muscular dystrophy-dystroglycanopathy (congenital with brain and eye anomalies), type A2; Autosomal recessive limb-girdle muscular dystrophy type 2N. Last evaluated: 2023-12-18. Review status: criteria provided, single submitter. Criteria: Invitae Variant Classification Sherloc (09022015). Collection method: clinical testing. Allele origin: germline.
Comment: This sequence change replaces arginine, which is basic and polar, with histidine, which is basic and polar, at codon 475 of the POMT2 protein (p.Arg475His). This variant is present in population databases (rs200976246, gnomAD 0.007%). This variant has not been reported in the literature in individuals affected with POMT2-related conditions. ClinVar contains an entry for this variant (Variation ID: 568071). Advanced modeling of protein sequence and biophysical properties (such as structural, functional, and spatial information, amino acid conservation, physicochemical variation, residue mobility, and thermodynamic stability) has been performed at Invitae for this missense variant, however the output from this modeling did not meet the statistical confidence thresholds required to predict the impact of this variant on POMT2 protein function. In summary, the available evidence is currently insufficient to determine the role of this variant in disease. Therefore, it has been classified as a Variant of Uncertain Significance.

NM_013382.7(POMT2):c.1424G>A (p.Arg475His)

Gene: POMT2 (protein O-mannosyltransferase 2; minus strand). Cytogenetic location: 14q24.3.
Variant type: single nucleotide variant.
Coding change: c.1424G>A on transcript NM_013382.7 (MANE Select); coding-DNA position 1424, G replaced by A.
Protein change: p.Arg475His; replaces arginine 475 with histidine.
Molecular consequence: missense variant.
Genome position (GRCh38, 1-based): chr14:77,285,541, C>T on the plus strand (G>A on the coding strand, the complement: POMT2 is on the minus strand). VCF-style: chr14-77285541-C-T. GRCh37 (hg19) VCF-style: chr14-77751884-C-T.
Other names: short protein forms R475H.
Identifiers: ClinVar variation 568071 (VCV000568071.10), dbSNP rs200976246, ClinGen allele CA263823548.
Genomic context (GRCh38, chr14:77,285,541, plus strand): 5'-CACTTGGGCAGAACCTTTCCCGAGGAGCCCAGGACACAACCTGTGACCAAATGGATGAAG[C>T]GAATTCGACTTCTCAGCACTTTGATCCGGTTTCCAAATTTCCTGTTTACGACCTCAATCC-3'
Protein context (NP_037514.2, residues 465-485): NRIKVLRSRI[Arg475His]FIHLVTGCVL